The following is an entry in ClinVar:

ClinVar aggregate classification (germline): Uncertain significance (1 of 4 stars; one submission).

Conditions:
Inborn genetic diseases. Identifiers: MedGen C0950123, MeSH D030342.

Submission:

Ambry Genetics
Classification: Uncertain significance for Inborn genetic diseases. Last evaluated: 2025-04-19. Review status: criteria provided, single submitter. Criteria: Ambry Variant Classification Scheme 2023. Collection method: clinical testing. Allele origin: germline.
Comment: The p.A1320E variant (also known as c.3959C>A), located in coding exon 13 of the ASXL1 gene, results from a C to A substitution at nucleotide position 3959. The alanine at codon 1320 is replaced by glutamic acid, an amino acid with dissimilar properties. This amino acid position is conserved. In addition, this alteration is predicted to be tolerated by in silico analysis. Based on the available evidence, the clinical significance of this variant remains unclear.

NM_015338.6(ASXL1):c.3959C>A (p.Ala1320Glu)

Gene: ASXL1 (ASXL transcriptional regulator 1; plus strand). Cytogenetic location: 20q11.21.
Variant type: single nucleotide variant.
Coding change: c.3959C>A on transcript NM_015338.6 (MANE Select); coding-DNA position 3959, C replaced by A.
Protein change: p.Ala1320Glu; replaces alanine 1320 with glutamic acid.
Molecular consequence: missense variant.
Genome position (GRCh38, 1-based): chr20:32,436,671, C>A. VCF-style: chr20-32436671-C-A. GRCh37 (hg19) VCF-style: chr20-31024474-C-A.
Other names: c.3776C>A, p.Ala1259Glu (NM_001363734.1); short protein forms A1259E, A1320E.
Identifiers: ClinVar variation 3956317 (VCV003956317.1).
Genomic context (GRCh38, chr20:32,436,671, plus strand): 5'-AAGGGAAGAAGCTTTTTGGCTCTGGGAATGTGGCTGCAACCCTTCAGCGCCCCAGGCCTG[C>A]GGACCCGATGCCTCTTCCTGCTGAGATCCCTCCAGTTTTTCCCAGTGGGAAGTTGGGACC-3'
Protein context (NP_056153.2, residues 1310-1330): VAATLQRPRP[Ala1320Glu]DPMPLPAEIP